The following is an entry in ClinVar:

NM_001148.6(ANK2):c.1310T>C (p.Val437Ala)

Gene: ANK2 (ankyrin 2; plus strand). Cytogenetic location: 4q26.
Variant type: single nucleotide variant.
Coding change: c.1310T>C on transcript NM_001148.6 (MANE Select); coding-DNA position 1310, T replaced by C.
Protein change: p.Val437Ala; replaces valine 437 with alanine.
Molecular consequence: missense variant. On other transcripts: intron variant (5).
Genome position (GRCh38, 1-based): chr4:113,258,335, T>C. VCF-style: chr4-113258335-T-C. GRCh37 (hg19) VCF-style: chr4-114179491-T-C.
Other names: c.1361T>C, p.Val454Ala (NM_001386174.1); c.1337T>C, p.Val446Ala (NM_001386175.1); c.1247T>C, p.Val416Ala (NM_001127493.3, NM_001354239.2, NM_001354243.2 and 14 more transcripts); c.1355T>C, p.Val452Ala (NM_001354240.2, NM_001354241.2, NM_001354242.2 and 5 more transcripts); c.1310T>C, p.Val437Ala (NM_001354245.2, NM_001354246.2, NM_001354265.2 and 8 more transcripts); c.1223T>C, p.Val408Ala (NM_001354249.2, NM_001354264.2, NM_001354266.2 and 13 more transcripts); c.1268T>C, p.Val423Ala (NM_001386160.1, NM_001354261.2, NM_001386147.1); c.1298T>C, p.Val433Ala (NM_001386148.2, NM_001386186.2); and 4 more; short protein forms V423A, V433A, V416A, V437A, V454A, V408A, V452A, V425A.
Identifiers: ClinVar variation 4752354 (VCV004752354.2).

ClinVar aggregate classification (germline): Uncertain significance. Review status: criteria provided, multiple submitters, no conflicts (2 of 4 stars). 2 submissions from 2 submitters: Uncertain significance (2). Last evaluated 2026-01-12.

Conditions:
Long QT syndrome (LQTS). Identifiers: MedGen C0023976, MeSH D008133, MONDO:0002442. Disease mechanism: loss of function. Inheritance: Various modes of inheritance.
Cardiovascular phenotype. Identifiers: MedGen CN230736.

Submissions (2):

Ambry Genetics
Classification: Uncertain significance for Cardiovascular phenotype. Last evaluated: 2026-01-12. Review status: criteria provided, single submitter. Criteria: Ambry Variant Classification Scheme 2023. Collection method: clinical testing. Allele origin: germline.
Comment: The p.V437A variant (also known as c.1310T>C), located in coding exon 13 of the ANK2 gene, results from a T to C substitution at nucleotide position 1310. The valine at codon 437 is replaced by alanine, an amino acid with similar properties. This amino acid position is conserved. In addition, the in silico prediction for this alteration is inconclusive. Based on the available evidence, the clinical significance of this variant remains unclear.

Labcorp Genetics (formerly Invitae), Labcorp
Classification: Uncertain significance for Long QT syndrome. Last evaluated: 2025-10-23. Review status: criteria provided, single submitter. Criteria: Invitae Variant Classification Sherloc (09022015). Collection method: clinical testing. Allele origin: germline.
Comment: This sequence change replaces valine, which is neutral and non-polar, with alanine, which is neutral and non-polar, at codon 437 of the ANK2 protein (p.Val437Ala). This variant is not present in population databases (gnomAD no frequency). This variant has not been reported in the literature in individuals affected with ANK2-related conditions. Invitae Evidence Modeling of protein sequence and biophysical properties (such as structural, functional, and spatial information, amino acid conservation, physicochemical variation, residue mobility, and thermodynamic stability) indicates that this missense variant is expected to disrupt ANK2 protein function with a positive predictive value of 80%. In summary, the available evidence is currently insufficient to determine the role of this variant in disease. Therefore, it has been classified as a Variant of Uncertain Significance.